The following is an entry in ClinVar:

NM_001376.5(DYNC1H1):c.4920C>G (p.Ile1640Met)

Gene: DYNC1H1 (dynein cytoplasmic 1 heavy chain 1; plus strand). Cytogenetic location: 14q32.31.
Variant type: single nucleotide variant.
Coding change: c.4920C>G on transcript NM_001376.5 (MANE Select); coding-DNA position 4920, C replaced by G.
Protein change: p.Ile1640Met; replaces isoleucine 1640 with methionine.
Molecular consequence: missense variant.
Genome position (GRCh38, 1-based): chr14:102,004,554, C>G. VCF-style: chr14-102004554-C-G. GRCh37 (hg19) VCF-style: chr14-102470891-C-G.
Other names: short protein forms I1640M.
Identifiers: ClinVar variation 3903111 (VCV003903111.1).

ClinVar aggregate classification (germline): Uncertain significance (1 of 4 stars; one submission).

Submission:

GeneDx
Classification: Uncertain significance. Last evaluated: 2024-12-13. Review status: criteria provided, single submitter. Criteria: GeneDx Variant Classification Process June 2021. Collection method: clinical testing. Allele origin: germline. Affected: yes.
Comment: Not observed at significant frequency in large population cohorts (gnomAD); In silico analysis supports that this missense variant has a deleterious effect on protein structure/function; Has not been previously published as pathogenic or benign to our knowledge; This variant is associated with the following publications: (PMID: 25512093, 25609763, 26100331)